The following is an entry in ClinVar:

NM_001267550.2(TTN):c.93647A>C (p.Asp31216Ala)

Genes: TTN (titin; minus strand), TTN-AS1 (TTN antisense RNA 1; plus strand). Cytogenetic location: 2q31.2.
Variant type: single nucleotide variant.
Coding change: c.93647A>C on transcript NM_001267550.2 (MANE Select); coding-DNA position 93647, A replaced by C.
Protein change: p.Asp31216Ala; replaces aspartic acid 31216 with alanine.
Molecular consequence: missense variant.
Genome position (GRCh38, 1-based): chr2:178,547,979, T>G on the plus strand (A>C on the coding strand, the complement: TTN is on the minus strand). VCF-style: chr2-178547979-T-G. GRCh37 (hg19) VCF-style: chr2-179412706-T-G.
Other names: c.88724A>C, p.Asp29575Ala (NM_001256850.1); c.66452A>C, p.Asp22151Ala (NM_003319.4); c.85943A>C, p.Asp28648Ala (NM_133378.4); c.66827A>C, p.Asp22276Ala (NM_133432.3); c.67028A>C, p.Asp22343Ala (NM_133437.4); short protein forms D22151A, D22276A, D22343A, D28648A, D29575A, D31216A.
Identifiers: ClinVar variation 4085886 (VCV004085886.8).

ClinVar aggregate classification (germline): Uncertain significance (1 of 4 stars; one submission).

Submission:

CeGaT Center for Human Genetics Tuebingen
Classification: Uncertain significance. Last evaluated: 2025-08-01. Review status: criteria provided, single submitter. Criteria: CeGaT Center For Human Genetics Tuebingen Variant Classification Criteria Version 2. Collection method: clinical testing. Allele origin: germline. Affected: yes. Observed: 1 variant allele.
Comment: TTN: PM2